The following is an entry in ClinVar:

NM_020699.4(GATAD2B):c.1177G>A (p.Gly393Ser)

Gene: GATAD2B (GATA zinc finger domain containing 2B; minus strand). Cytogenetic location: 1q21.3.
Variant type: single nucleotide variant.
Coding change: c.1177G>A on transcript NM_020699.4 (MANE Select); coding-DNA position 1177, G replaced by A.
Protein change: p.Gly393Ser; replaces glycine 393 with serine.
Molecular consequence: missense variant.
Genome position (GRCh38, 1-based): chr1:153,816,312, C>T on the plus strand (G>A on the coding strand, the complement: GATAD2B is on the minus strand). VCF-style: chr1-153816312-C-T. GRCh37 (hg19) VCF-style: chr1-153788788-C-T.
Other names: short protein forms G393S.
Identifiers: ClinVar variation 3651437 (VCV003651437.3).
Genomic context (GRCh38, chr1:153,816,312, plus strand): 5'-GATTAGAAGAAACAGCCTTACCTTGGCTGTCAATGACACTCTGTACGACTTCTTCCAAGC[C>T]TACCATGTAGATGAACTCGCTATTGGCTGCACTAGGCAAGAAATGAAGTAAGGGAGCAGG-3'
Protein context (NP_065750.1, residues 383-403): AANSEFIYMV[Gly393Ser]LEEVVQSVID

ClinVar aggregate classification (germline): Conflicting classifications of pathogenicity. Review status: criteria provided, conflicting classifications (1 of 4 stars). 2 submissions from 2 submitters: Likely pathogenic (1); Uncertain significance (1). Last evaluated 2024-04-30.

Conditions:
GATAD2B-related disorder. Also called: GATAD2B-related condition.

Submissions (2):

Labcorp Genetics (formerly Invitae), Labcorp
Classification: Uncertain significance. Last evaluated: 2024-04-30. Review status: criteria provided, single submitter. Criteria: Invitae Variant Classification Sherloc (09022015). Collection method: clinical testing. Allele origin: germline.
Comment: This sequence change replaces glycine, which is neutral and non-polar, with serine, which is neutral and polar, at codon 393 of the GATAD2B protein (p.Gly393Ser). This variant is not present in population databases (gnomAD no frequency). This variant has not been reported in the literature in individuals affected with GATAD2B-related conditions. Advanced modeling of protein sequence and biophysical properties (such as structural, functional, and spatial information, amino acid conservation, physicochemical variation, residue mobility, and thermodynamic stability) performed at Invitae indicates that this missense variant is expected to disrupt GATAD2B protein function with a positive predictive value of 80%. In summary, the available evidence is currently insufficient to determine the role of this variant in disease. Therefore, it has been classified as a Variant of Uncertain Significance.

Blueprint Genetics
Classification: Likely pathogenic for GATAD2B-related disorders. Last evaluated: 2023-04-24. Review status: criteria provided, single submitter. Criteria: ACMG Guidelines, 2015. Collection method: clinical testing. Allele origin: de novo. Affected: yes. Observed: 1 variant allele.